The following is an entry in ClinVar:

ClinVar aggregate classification (germline): Likely benign (1 of 4 stars; one submission).

gnomAD v4.1: 1 of 1,395,086 alleles (0.000072%); no homozygotes.

Submission:

CeGaT Center for Human Genetics Tuebingen
Classification: Likely benign. Last evaluated: 2024-09-01. Review status: criteria provided, single submitter. Criteria: CeGaT Center For Human Genetics Tuebingen Variant Classification Criteria Version 2. Collection method: clinical testing. Allele origin: germline. Affected: yes. Observed: 1 variant allele.
Comment: PEPD: BP4, BP7

NM_000285.4(PEPD):c.17+90G>A

Gene: PEPD (peptidase D; minus strand). Cytogenetic location: 19q13.11.
Variant type: single nucleotide variant.
Coding change: c.17+90G>A on transcript NM_000285.4 (MANE Select); 90 bases into the intron after coding-DNA position 17, G replaced by A.
Molecular consequence: intron variant.
Genome position (GRCh38, 1-based): chr19:33,521,654, C>T on the plus strand (G>A on the coding strand, the complement: PEPD is on the minus strand). VCF-style: chr19-33521654-C-T. GRCh37 (hg19) VCF-style: chr19-34012560-C-T.
Other names: c.17+90G>A (NM_001166057.2, NM_001166056.2).
Identifiers: ClinVar variation 3390350 (VCV003390350.14).
Genomic context (GRCh38, chr19:33,521,654, plus strand): 5'-CGACCGGCGCTGGGACTCCGGGCCAACGGGAAGAGGCGCCTACCCGCGGCATTCAGCGAC[C>T]CCGGCTGACGCTCTCACCCGCGGTCCGGCCGGGACACCCATGCCCCTCTCCACGCCAGCG-3'